The following is an entry in ClinVar:

ClinVar aggregate classification (germline): Uncertain significance (1 of 4 stars; one submission).

Conditions:
Spastic paraplegia. Identifiers: MedGen C0037772, HP:0001258.

Allele frequency attached by ClinVar (database versions not stated): ExAC 0.00001; gnomAD 0.00001; TOPMed 0.00001.
gnomAD v4.1: 5 of 1,590,844 alleles (0.00031%); highest among the groups gnomAD compares: African/African-American, 0.0014%; no homozygotes.

Submission:

Labcorp Genetics (formerly Invitae), Labcorp
Classification: Uncertain significance for Spastic paraplegia. Last evaluated: 2026-01-05. Review status: criteria provided, single submitter. Criteria: Invitae Variant Classification Sherloc (09022015). Collection method: clinical testing. Allele origin: germline.
Comment: This sequence change replaces leucine, which is neutral and non-polar, with phenylalanine, which is neutral and non-polar, at codon 441 of the CYP2U1 protein (p.Leu441Phe). This variant is present in population databases (rs770180255, gnomAD 0.002%). This variant has not been reported in the literature in individuals affected with CYP2U1-related conditions. ClinVar contains an entry for this variant (Variation ID: 1063450). Invitae Evidence Modeling of protein sequence and biophysical properties (such as structural, functional, and spatial information, amino acid conservation, physicochemical variation, residue mobility, and thermodynamic stability) indicates that this missense variant is not expected to disrupt CYP2U1 protein function with a negative predictive value of 95%. In summary, the available evidence is currently insufficient to determine the role of this variant in disease. Therefore, it has been classified as a Variant of Uncertain Significance.

NM_183075.3(CYP2U1):c.1323G>C (p.Leu441Phe)

Gene: CYP2U1 (cytochrome P450 family 2 subfamily U member 1; plus strand). Cytogenetic location: 4q25.
Variant type: single nucleotide variant.
Coding change: c.1323G>C on transcript NM_183075.3 (MANE Select); coding-DNA position 1323, G replaced by C.
Protein change: p.Leu441Phe; replaces leucine 441 with phenylalanine.
Molecular consequence: missense variant.
Genome position (GRCh38, 1-based): chr4:107,949,384, G>C. VCF-style: chr4-107949384-G-C. GRCh37 (hg19) VCF-style: chr4-108870540-G-C.
Other names: short protein forms L441F.
Identifiers: ClinVar variation 1063450 (VCV001063450.5), dbSNP rs770180255, ClinGen allele CA3037183.